The following is an entry in ClinVar:

NM_000277.3(PAH):c.1240T>C (p.Tyr414His)

Gene: PAH (phenylalanine hydroxylase; minus strand). Cytogenetic location: 12q23.2.
Variant type: single nucleotide variant.
Coding change: c.1240T>C on transcript NM_000277.3 (MANE Select); coding-DNA position 1240, T replaced by C.
Protein change: p.Tyr414His; replaces tyrosine 414 with histidine.
Molecular consequence: missense variant.
Genome position (GRCh38, 1-based): chr12:102,840,475, A>G on the plus strand (T>C on the coding strand, the complement: PAH is on the minus strand). VCF-style: chr12-102840475-A-G. GRCh37 (hg19) VCF-style: chr12-103234253-A-G.
Other names: c.1240T>C (NM_000277.2); c.1240T>C, p.Tyr414His (NM_001354304.2); short protein forms Y414H.
Identifiers: ClinVar variation 120265 (VCV000120265.11), dbSNP rs281865437, ClinGen allele CA267637.

ClinVar aggregate classification (germline): Uncertain significance. Review status: reviewed by expert panel (3 of 4 stars). 5 submissions from 5 submitters: Uncertain significance (1). 4 of the submissions do not count toward it. Last evaluated 2019-05-05.

Conditions:
Phenylketonuria (PKU). Also called: Phenylketonuria (PKU); FOLLING DISEASE; OLIGOPHRENIA PHENYLPYRUVICA; Phenylketonurias. Identifiers: Orphanet 716, MedGen C0031485, MONDO:0009861, OMIM 261600. Disease mechanism: loss of function.

Allele frequency attached by ClinVar (database versions not stated): gnomAD 0.00001; gnomAD exomes 0.00001 and below 0.00001; ExAC 0.00001.
gnomAD v4.1: 10 of 1,613,996 alleles (0.00062%); highest among the groups gnomAD compares: Middle Eastern, 0.05%; no homozygotes.

Submissions (5):

ClinGen PAH Variant Curation Expert Panel
Classification: Uncertain significance for Phenylketonuria. Last evaluated: 2019-05-05. Review status: reviewed by expert panel. Criteria: ClinGen PAH ACMG Specifications v1. Collection method: curation. Allele origin: germline. Inheritance: Autosomal recessive inheritance.
Comment: The c.1240T>C (p.Tyr414His) variant in PAH has been previously reported Likely Pathogenic by one clinical laboratory in ClinVar (see variant ID 125859); the collection method is stated as "literature only" and no further information is provided. To our knowledge, as of 4/29/19, it has not been reported in the published literature. The variant results in the substitution of a highly conserved Tyrosine residue with Histidine, a physiochemically distinct amino acid (nonpolar versus basic side chains), and the amino acid substitution is predicted damaging by multiple lines of computational evidence e.g., Predicted deleterious in SIFT, Polyphen2, Mutation Taster. REVEL= 0.969) (PP3). It is present at extremely low frequency in control databases including ethnically matched individuals, including gnomAD/ExAC, 1000 Genomes, and ESP: the highest MAF reported is 0.00001, in the gnomAD/ExAC Non-Finnish European subpopulation, which falls below the 0.0002 allele frequency cutoff for PAH variants (PM2). Another missense variant at this site, p.Tyr414Cys, has been previously reported Pathogenic, including by the ClinGen PAH working group (see ClinVar variant ID 593) (PM5).

Labcorp Genetics (formerly Invitae), Labcorp
Classification: Pathogenic for Phenylketonuria. Last evaluated: 2026-01-27. Review status: criteria provided, single submitter. Criteria: Invitae Variant Classification Sherloc (09022015). Collection method: clinical testing. Allele origin: germline. Not counted in ClinVar's aggregate classification.
Comment: This sequence change replaces tyrosine, which is neutral and polar, with histidine, which is basic and polar, at codon 414 of the PAH protein (p.Tyr414His). This variant is present in population databases (rs281865437, gnomAD 0.0009%). This missense change has been observed in individual(s) with hyperphenylalaninemia (PMID: 32668217; BIOPKU). ClinVar contains an entry for this variant (Variation ID: 120265). Invitae Evidence Modeling of protein sequence and biophysical properties (such as structural, functional, and spatial information, amino acid conservation, physicochemical variation, residue mobility, and thermodynamic stability) indicates that this missense variant is expected to disrupt PAH protein function with a positive predictive value of 80%. This variant disrupts the p.Tyr414 amino acid residue in PAH. Other variant(s) that disrupt this residue have been determined to be pathogenic (PMID: 8556304, 9399896, 10479481, 24296287). This suggests that this residue is clinically significant, and that variants that disrupt this residue are likely to be disease-causing. For these reasons, this variant has been classified as Pathogenic.

Natera, Inc.
Classification: Likely pathogenic for Phenylketonuria. Last evaluated: 2024-12-30. Review status: criteria provided, single submitter. Criteria: Natera Variant Classification Schema (03/2026). Collection method: clinical testing. Allele origin: germline. Not counted in ClinVar's aggregate classification.
Comment: The c.1240T>C variant in PAH is a missense variant predicted to cause substitution of tyrosine to histidine at amino acid 414. This variant is rare in the general population with a frequency below the threshold expected for the associated phenotype(s). This variant has been observed in one or more individuals affected with the associated recessive disease, as either homozygous or compound heterozygous with a second variant (PMID: 32668217). A different variant at the same position has been determined to be Pathogenic or Likely Pathogenic. Computational prediction algorithms indicate this variant is likely to affect gene or protein function. Given the available evidence, this variant is classified as Likely Pathogenic.

Women's Health and Genetics/Laboratory Corporation of America, LabCorp
Classification: Likely pathogenic for Phenylketonuria. Last evaluated: 2024-04-02. Review status: criteria provided, single submitter. Criteria: LabCorp Variant Classification Summary - May 2015. Collection method: clinical testing. Allele origin: germline. Not counted in ClinVar's aggregate classification.
Comment: Variant summary: PAH c.1240T>C (p.Tyr414His) results in a conservative amino acid change located in the Aromatic amino acid hydroxylase, C-terminal domain (IPR019774) of the encoded protein sequence. Four of five in-silico tools predict a damaging effect of the variant on protein function. A different pathogenic variant located at the same codon, c.1241A>G (p.Tyr414Cys) supports a critical relevance of this Tyrosine residue to overall PAH protein function. The variant allele was found at a frequency of 4e-06 in 251444 control chromosomes. c.1240T>C has been reported in the literature as a biallelic comound heterozygous genotype in individuals affected with Phenylalanine Hydroxylase Deficiency (Phenylketonuria) (example, Hillert_2020). To our knowledge, no experimental evidence demonstrating an impact on protein function has been reported. The following publications have been ascertained in the context of this evaluation (PMID: 32668217, 30648773). ClinVar contains an entry for this variant (Variation ID: 120265). Based on the evidence outlined above, the variant was classified as likely pathogenic.

Inserm U 954, Faculté de Médecine de Nancy
Classification: Likely pathogenic for Phenylketonuria. Review status: no assertion criteria provided. Collection method: not provided. Allele origin: unknown. Not counted in ClinVar's aggregate classification.
Comment: PKU patients
ClinVar note: Converted during submission from probable-pathogenic to Likely pathogenic.

Literature cited by the submitters: PubMed 32668217 (cited by 3 submitters); PubMed 8556304 (cited by Labcorp Genetics (formerly Invitae), Labcorp); PubMed 9399896 (cited by Labcorp Genetics (formerly Invitae), Labcorp); PubMed 10479481 (cited by Labcorp Genetics (formerly Invitae), Labcorp); PubMed 24296287 (cited by Labcorp Genetics (formerly Invitae), Labcorp); PubMed 30648773 (cited by Women's Health and Genetics/Laboratory Corporation of America, LabCorp).